The following is an entry in ClinVar:

ClinVar aggregate classification (germline): Uncertain significance (1 of 4 stars; one submission).

Conditions:
Charcot-Marie-Tooth disease type 2. Also called: Charcot-Marie-Tooth type 2. Identifiers: Orphanet 64746, MedGen C0270914, MONDO:0018993.

gnomAD v4.1: 1 of 1,614,068 alleles (0.000062%); highest among the groups gnomAD compares: African/African-American, 0.0013%; no homozygotes.

Submission:

Labcorp Genetics (formerly Invitae), Labcorp
Classification: Uncertain significance for Charcot-Marie-Tooth disease type 2. Last evaluated: 2024-03-27. Review status: criteria provided, single submitter. Criteria: Invitae Variant Classification Sherloc (09022015). Collection method: clinical testing. Allele origin: germline.
Comment: This sequence change replaces phenylalanine, which is neutral and non-polar, with valine, which is neutral and non-polar, at codon 18 of the AARS protein (p.Phe18Val). This variant is not present in population databases (gnomAD no frequency). This variant has not been reported in the literature in individuals affected with AARS-related conditions. Advanced modeling of protein sequence and biophysical properties (such as structural, functional, and spatial information, amino acid conservation, physicochemical variation, residue mobility, and thermodynamic stability) performed at Invitae indicates that this missense variant is expected to disrupt AARS protein function with a positive predictive value of 95%. In summary, the available evidence is currently insufficient to determine the role of this variant in disease. Therefore, it has been classified as a Variant of Uncertain Significance.

NM_001605.3(AARS1):c.52T>G (p.Phe18Val)

Gene: AARS1 (alanyl-tRNA synthetase 1; minus strand). Cytogenetic location: 16q22.1.
Variant type: single nucleotide variant.
Coding change: c.52T>G on transcript NM_001605.3 (MANE Select); coding-DNA position 52, T replaced by G.
Protein change: p.Phe18Val; replaces phenylalanine 18 with valine.
Molecular consequence: missense variant.
Genome position (GRCh38, 1-based): chr16:70,282,712, A>C on the plus strand (T>G on the coding strand, the complement: AARS1 is on the minus strand). VCF-style: chr16-70282712-A-C. GRCh37 (hg19) VCF-style: chr16-70316615-A-C.
Other names: short protein forms F18V.
Identifiers: ClinVar variation 3672416 (VCV003672416.2).